The following is an entry in ClinVar:

ClinVar aggregate classification (germline): Pathogenic. Review status: criteria provided, multiple submitters, no conflicts (2 of 4 stars). 2 submissions from 2 submitters: Pathogenic (2). Last evaluated 2020-10-19.

Conditions:
Hereditary cancer-predisposing syndrome. Also called: Tumor predisposition; Hereditary Cancer Syndrome; Neoplastic Syndromes, Hereditary; Hereditary neoplastic syndrome. Identifiers: Orphanet 140162, MedGen C0027672, MeSH D009386, MONDO:0015356.
Familial cancer of breast. Also called: BREAST CANCER, FAMILIAL; Hereditary breast cancer; hereditary breast carcinoma. Identifiers: Orphanet 227535, MedGen C0346153, MONDO:0016419, OMIM 114480. Disease mechanism: loss of function.

Submissions (2):

Labcorp Genetics (formerly Invitae), Labcorp
Classification: Pathogenic for Familial cancer of breast. Last evaluated: 2020-10-19. Review status: criteria provided, single submitter. Criteria: Invitae Variant Classification Sherloc (09022015). Collection method: clinical testing. Allele origin: germline.
Comment: For these reasons, this variant has been classified as Pathogenic. Loss-of-function variants in BARD1 are known to be pathogenic (PMID: 20077502, 21344236). This variant has not been reported in the literature in individuals with BARD1-related conditions. This variant is not present in population databases (ExAC no frequency). This sequence change creates a premature translational stop signal (p.Val298Serfs*2) in the BARD1 gene. It is expected to result in an absent or disrupted protein product.

Ambry Genetics
Classification: Pathogenic for Hereditary cancer-predisposing syndrome. Last evaluated: 2019-04-11. Review status: criteria provided, single submitter. Criteria: Ambry Variant Classification Scheme 2023. Collection method: clinical testing. Allele origin: germline.
Comment: The c.891_895delAGTGA pathogenic mutation, located in coding exon 4 of the BARD1 gene, results from a deletion of 5 nucleotides at nucleotide positions 891 to 895, causing a translational frameshift with a predicted alternate stop codon (p.V298Sfs*2). This alteration is expected to result in loss of function by premature protein truncation or nonsense-mediated mRNA decay. As such, this alteration is interpreted as a disease-causing mutation.

Literature cited by the submitters: PubMed 20077502 (cited by Labcorp Genetics (formerly Invitae), Labcorp); PubMed 21344236 (cited by Labcorp Genetics (formerly Invitae), Labcorp).

NM_000465.4(BARD1):c.891_895del (p.Val298fs)

Gene: BARD1 (BRCA1 associated RING domain 1; minus strand). Cytogenetic location: 2q35.
Variant type: Deletion.
Coding change: c.891_895del on transcript NM_000465.4 (MANE Select); coding-DNA positions 891 to 895, 5 bases deleted (AGTGA; older notation c.891_895delAGTGA).
Protein change: p.Val298fs; shifts the reading frame from valine 298.
Molecular consequence: frameshift variant. On other transcripts: non-coding transcript variant (2), intron variant (3).
Genome position (GRCh38, 1-based): chr2:214,780,979-214,780,983, TCACT deleted on the plus strand (AGTGA on the coding strand, the reverse complement: BARD1 is on the minus strand). VCF-style (leftmost placement, unchanged base first): chr2-214780978-GTCACT-G. GRCh37 (hg19) VCF-style: chr2-215645702-GTCACT-G.
Other names: c.834_838del, p.Val279fs (NM_001282543.2); c.159-28428_159-28424del (NM_001282548.2); c.215+16078_215+16082del (NM_001282545.2); c.364+11314_364+11318del (NM_001282549.2); short protein forms V279fs, V298fs.
Identifiers: ClinVar variation 822822 (VCV000822822.12), dbSNP rs1574818696, ClinGen allele CA915941688.